The following is an entry in ClinVar:

ClinVar aggregate classification (germline): Uncertain significance. Review status: criteria provided, multiple submitters, no conflicts (2 of 4 stars). 3 submissions from 3 submitters: Uncertain significance (3). Last evaluated 2025-10-18.

Conditions:
Inborn genetic diseases. Identifiers: MedGen C0950123, MeSH D030342.
Hermansky-Pudlak syndrome 2 (HPS2). Also called: Platelet defects and oculocutaneous albinism. Identifiers: Orphanet 183678, Orphanet 79430, MedGen C1842362, MONDO:0011997, OMIM 608233.

Allele frequency attached by ClinVar (database versions not stated): ExAC 0.00003; gnomAD exomes 0.00004; TOPMed 0.00004; gnomAD 0.00007; ESP Exome Variant Server 0.00008.
gnomAD v4.1: 68 of 1,613,726 alleles (0.0042%); highest among the groups gnomAD compares: African/African-American, 0.0067%; no homozygotes.

Submissions (3):

Ambry Genetics
Classification: Uncertain significance for Inborn genetic diseases. Last evaluated: 2025-10-18. Review status: criteria provided, single submitter. Criteria: Ambry Variant Classification Scheme 2023. Collection method: clinical testing. Allele origin: germline.

Blueprint Genetics
Classification: Uncertain significance. Last evaluated: 2023-03-28. Review status: criteria provided, single submitter. Criteria: ACMG Guidelines, 2015. Collection method: clinical testing. Allele origin: germline.

Labcorp Genetics (formerly Invitae), Labcorp
Classification: Uncertain significance for Hermansky-Pudlak syndrome 2. Last evaluated: 2022-10-05. Review status: criteria provided, single submitter. Criteria: Invitae Variant Classification Sherloc (09022015). Collection method: clinical testing. Allele origin: germline.
Comment: This sequence change replaces isoleucine, which is neutral and non-polar, with methionine, which is neutral and non-polar, at codon 536 of the AP3B1 protein (p.Ile536Met). This variant is present in population databases (rs376737882, gnomAD 0.004%). This variant has not been reported in the literature in individuals affected with AP3B1-related conditions. Algorithms developed to predict the effect of missense changes on protein structure and function are either unavailable or do not agree on the potential impact of this missense change (SIFT: "Deleterious"; PolyPhen-2: "Probably Damaging"; Align-GVGD: "Class C0"). In summary, the available evidence is currently insufficient to determine the role of this variant in disease. Therefore, it has been classified as a Variant of Uncertain Significance.

NM_003664.5(AP3B1):c.1608A>G (p.Ile536Met)

Gene: AP3B1 (adaptor related protein complex 3 subunit beta 1; minus strand). Cytogenetic location: 5q14.1.
Variant type: single nucleotide variant.
Coding change: c.1608A>G on transcript NM_003664.5 (MANE Select); coding-DNA position 1608, A replaced by G.
Protein change: p.Ile536Met; replaces isoleucine 536 with methionine.
Molecular consequence: missense variant.
Genome position (GRCh38, 1-based): chr5:78,141,185, T>C on the plus strand (A>G on the coding strand, the complement: AP3B1 is on the minus strand). VCF-style: chr5-78141185-T-C. GRCh37 (hg19) VCF-style: chr5-77437009-T-C.
Other names: c.1461A>G, p.Ile487Met (NM_001271769.2); c.1608A>G, p.Ile536Met (NM_001410752.1); c.1608A>G (NM_003664.3); short protein forms I536M, I487M.
Identifiers: ClinVar variation 2076338 (VCV002076338.3), dbSNP rs376737882, ClinGen allele CA3317024.